The following is an entry in ClinVar:

ClinVar aggregate classification (germline): Likely benign. Review status: criteria provided, multiple submitters, no conflicts (2 of 4 stars). 3 submissions from 3 submitters: Likely benign (3). Last evaluated 2025-12-24.

Conditions:
Brugada syndrome 5 (BRGDA5). Identifiers: Orphanet 130, Orphanet 871, MedGen C2748541, MONDO:0013015, OMIM 612838.
Cardiovascular phenotype. Identifiers: MedGen CN230736.

Allele frequency attached by ClinVar (database versions not stated): gnomAD exomes 0.00002 and 0.00003; TOPMed 0.00003; gnomAD 0.00004; ExAC 0.00005.
gnomAD v4.1: 35 of 1,613,970 alleles (0.0022%); highest among the groups gnomAD compares: Middle Eastern, 0.017%; no homozygotes.

Submissions (3):

Labcorp Genetics (formerly Invitae), Labcorp
Classification: Likely benign for Brugada syndrome 5. Last evaluated: 2025-12-24. Review status: criteria provided, single submitter. Criteria: Invitae Variant Classification Sherloc (09022015). Collection method: clinical testing. Allele origin: germline.

Ambry Genetics
Classification: Likely benign for Cardiovascular phenotype. Last evaluated: 2022-03-14. Review status: criteria provided, single submitter. Criteria: Ambry Variant Classification Scheme 2023. Collection method: clinical testing. Allele origin: germline.

GeneDx
Classification: Likely benign. Last evaluated: 2016-09-02. Review status: criteria provided, single submitter. Criteria: GeneDx Variant Classification (06012015). Collection method: clinical testing. Allele origin: germline. Affected: yes.
Comment: This variant is considered likely benign or benign based on one or more of the following criteria: it is a conservative change, it occurs at a poorly conserved position in the protein, it is predicted to be benign by multiple in silico algorithms, and/or has population frequency not consistent with disease.

NM_001037.5(SCN1B):c.258C>T (p.Phe86=)

Gene: SCN1B (sodium voltage-gated channel beta subunit 1; plus strand). Cytogenetic location: 19q13.11.
Variant type: single nucleotide variant.
Coding change: c.258C>T on transcript NM_001037.5 (MANE Select); coding-DNA position 258, C replaced by T.
Protein change: p.Phe86=; no amino-acid change (phenylalanine 86 retained).
Molecular consequence: synonymous variant.
Genome position (GRCh38, 1-based): chr19:35,033,549, C>T. VCF-style: chr19-35033549-C-T. GRCh37 (hg19) VCF-style: chr19-35524453-C-T.
Other names: c.159C>T, p.Phe53= (NM_001321605.2); c.258C>T, p.Phe86= (NM_199037.5).
Identifiers: ClinVar variation 389010 (VCV000389010.12), dbSNP rs751009774, ClinGen allele CA9371996.
Genomic context (GRCh38, chr19:35,033,549, plus strand): 5'-CTACCCCTAGATCCTGCGCTATGAGAATGAGGTGTTGCAGCTGGAGGAGGATGAGCGCTT[C>T]GAGGGCCGCGTGGTGTGGAATGGCAGCCGGGGCACCAAAGACCTGCAGGATCTGTCTATC-3'
Protein context (NP_001028.1, residues 76-96): EVLQLEEDER[Phe86=]EGRVVWNGSR